The following is an entry in ClinVar:

NM_001042545.2(LTBP4):c.2171A>T (p.Glu724Val)

Gene: LTBP4 (latent transforming growth factor beta binding protein 4; plus strand). Cytogenetic location: 19q13.2.
Variant type: single nucleotide variant.
Coding change: c.2171A>T on transcript NM_001042545.2 (MANE Select); coding-DNA position 2171, A replaced by T.
Protein change: p.Glu724Val; replaces glutamic acid 724 with valine.
Molecular consequence: missense variant.
Genome position (GRCh38, 1-based): chr19:40,611,976, A>T. VCF-style: chr19-40611976-A-T. GRCh37 (hg19) VCF-style: chr19-41117882-A-T.
Other names: c.2261A>T, p.Glu754Val (NM_003573.2); c.2372A>T, p.Glu791Val (NM_001042544.1); short protein forms E754V, E791V, E724V.
Identifiers: ClinVar variation 2032929 (VCV002032929.4), dbSNP rs1297706109, ClinGen allele CA405938313.
Genomic context (GRCh38, chr19:40,611,976, plus strand): 5'-CAGAAGGCAGCTTCCAGTGTGTCTGCCCCATGGGCTTCCAACCCAACACTGCTGGCTCCG[A>T]GTGCGAGGGTGAGGCCGGGGAGGGAGGGAGGAGTGTGGATGGGTGAGGGGGGAGTTGGAC-3'
Protein context (NP_001036010.1, residues 714-734): MGFQPNTAGS[Glu724Val]CEDVDECENH

ClinVar aggregate classification (germline): Uncertain significance (1 of 4 stars; one submission).

Allele frequency attached by ClinVar (database versions not stated): gnomAD exomes below 0.00001.
gnomAD v4.1: 1 of 1,611,928 alleles (0.000062%); highest among the groups gnomAD compares: Non-Finnish European, 0.000085%; no homozygotes.

Submission:

Labcorp Genetics (formerly Invitae), Labcorp
Classification: Uncertain significance. Last evaluated: 2024-02-24. Review status: criteria provided, single submitter. Criteria: Invitae Variant Classification Sherloc (09022015). Collection method: clinical testing. Allele origin: germline.
Comment: This sequence change replaces glutamic acid, which is acidic and polar, with valine, which is neutral and non-polar, at codon 754 of the LTBP4 protein (p.Glu754Val). The frequency data for this variant in the population databases is considered unreliable, as metrics indicate poor data quality at this position in the gnomAD database. This variant has not been reported in the literature in individuals affected with LTBP4-related conditions. ClinVar contains an entry for this variant (Variation ID: 2032929). Experimental studies and prediction algorithms are not available or were not evaluated, and the functional significance of this variant is currently unknown. In summary, the available evidence is currently insufficient to determine the role of this variant in disease. Therefore, it has been classified as a Variant of Uncertain Significance.